The following is an entry in ClinVar:

NM_001193329.3(AOPEP):c.219del (p.Lys73fs)

Gene: AOPEP (aminopeptidase O (putative); plus strand). Cytogenetic location: 9q22.32.
Variant type: Deletion.
Coding change: c.219del on transcript NM_001193329.3 (MANE Select); coding-DNA position 219, one base deleted (A; older notation c.219delA).
Protein change: p.Lys73fs; shifts the reading frame from lysine 73.
Molecular consequence: frameshift variant. On other transcripts: non-coding transcript variant (5), intron variant (2).
Genome position (GRCh38, 1-based): chr9:94,760,002, A deleted; the last of 3 consecutive A bases (chr9:94,760,000-94,760,002); deleting any one gives the same sequence. VCF-style (leftmost placement, unchanged base first): chr9-94759999-CA-C. GRCh37 (hg19) VCF-style: chr9-97522281-CA-C.
Other names: c.219del, p.Lys73fs (NM_001193331.3, NM_001386062.2, NM_001386063.2 and 11 more transcripts); c.-29-32763del (NM_001386061.1); c.-73-13000del (NM_001386073.1); short protein forms K73fs.
Identifiers: ClinVar variation 3391298 (VCV003391298.1).

ClinVar aggregate classification (germline): Likely pathogenic (1 of 4 stars; one submission).

Conditions:
Dystonia 31. Also called: ZECH-BOESCH SYNDROME. Identifiers: MedGen C5562001, MONDO:0030455, OMIM 619565.

Submission:

Neuberg Centre For Genomic Medicine, NCGM
Classification: Likely pathogenic for Dystonia 31. Last evaluated: 2023-07-22. Review status: criteria provided, single submitter. Criteria: ACMG Guidelines, 2015. Collection method: clinical testing. Allele origin: germline. Inheritance: Autosomal recessive inheritance. Affected: yes.
Comment: The observed frameshift variant c.219delp.Lys73AsnfsTer12 in AOPEP gene has not been reported previously as a pathogenic variant nor as a benign variant, to our knowledge. The p.Lys73AsnfsTer12 variant is absent in gnomAD Exomes. This variant causes a frameshift starting with codon Lysine 73, changes this amino acid to Asparagine residue, and creates a premature Stop codon at position 12 of the new reading frame, denoted p.Lys73AsnfsTer12. This variant is predicted to cause loss of normal protein function through protein truncation. Loss of function variants have been previously reported to be disease causing Zech M, et al., 2022. For these reasons, this variant has been classified as Likely Pathogenic.